The following is an entry in ClinVar:

NM_002691.4(POLD1):c.-2+47G>C

Gene: POLD1 (DNA polymerase delta 1, catalytic subunit; plus strand). Cytogenetic location: 19q13.33.
Variant type: single nucleotide variant.
Coding change: c.-2+47G>C on transcript NM_002691.4 (MANE Select); 47 bases into the intron after 2 bases upstream of the start codon, G replaced by C.
Molecular consequence: intron variant.
Genome position (GRCh38, 1-based): chr19:50,384,437, G>C. VCF-style: chr19-50384437-G-C. GRCh37 (hg19) VCF-style: chr19-50887694-G-C.
Other names: c.-5+47G>C (NM_001256849.1).
Identifiers: ClinVar variation 677917 (VCV000677917.2), dbSNP rs3219286, ClinGen allele CA309606012.
Genomic context (GRCh38, chr19:50,384,437, plus strand): 5'-GCTGTTTGAAGCGGGTGAGTAGAGGGGAAAAAGGGAGTTCGGGGCAGTGGGCCTGGTAGG[G>C]AACGGGGCTTGAGCAGCCAGGCACATAGATCTGAGAGACGGTTGCGAGGGCACCCTTTGG-3'

ClinVar aggregate classification (germline): Benign. Review status: criteria provided, multiple submitters, no conflicts (2 of 4 stars). 2 submissions from 2 submitters: Benign (2). Last evaluated 2018-06-18.

Allele frequency attached by ClinVar (database versions not stated): gnomAD 0.01774 and 0.01841; TOPMed 0.01933; 1000 Genomes Project 0.02396; 1000 Genomes Project 30x 0.02608.

Submissions (2):

GeneDx
Classification: Benign. Last evaluated: 2018-06-18. Review status: criteria provided, single submitter. Criteria: GeneDx Variant Classification (06012015). Collection method: clinical testing. Allele origin: germline. Affected: yes.
Comment: This variant is considered likely benign or benign based on one or more of the following criteria: it is a conservative change, it occurs at a poorly conserved position in the protein, it is predicted to be benign by multiple in silico algorithms, and/or has population frequency not consistent with disease.

Breakthrough Genomics
Classification: Benign. Review status: criteria provided, single submitter. Criteria: ACMG Guidelines, 2015. Collection method: not provided. Allele origin: germline. Inheritance: Autosomal dominant inheritance. Affected: yes.